The following is an entry in ClinVar:

NM_002335.4(LRP5):c.1220C>T (p.Ala407Val)

Gene: LRP5 (LDL receptor related protein 5; plus strand). Cytogenetic location: 11q13.2.
Variant type: single nucleotide variant.
Coding change: c.1220C>T on transcript NM_002335.4 (MANE Select); coding-DNA position 1220, C replaced by T.
Protein change: p.Ala407Val; replaces alanine 407 with valine.
Molecular consequence: missense variant. On other transcripts: 5 prime UTR variant (1).
Genome position (GRCh38, 1-based): chr11:68,386,520, C>T. VCF-style: chr11-68386520-C-T. GRCh37 (hg19) VCF-style: chr11-68153988-C-T.
Other names: c.-546C>T (NM_001291902.2); c.1220C>T (NM_002335.3); short protein forms A407V.
Identifiers: ClinVar variation 1051480 (VCV001051480.14), dbSNP rs369125661, ClinGen allele CA6149275.

ClinVar aggregate classification (germline): Uncertain significance. Review status: criteria provided, multiple submitters, no conflicts (2 of 4 stars). 4 submissions from 4 submitters: Uncertain significance (4). Last evaluated 2026-03-21.

Conditions:
Autosomal dominant osteopetrosis 1 (OPTA1). Also called: OSTEOPETROSIS, AUTOSOMAL DOMINANT, TYPE I. Identifiers: Orphanet 2783, MedGen C1843330, MONDO:0011877, OMIM 607634.
Polycystic liver disease 4 with or without kidney cysts. Identifiers: MedGen C4693479, MONDO:0044327, OMIM 617875.
Osteoporosis with pseudoglioma (OPPG). Also called: osteoporosis-pseudoglioma syndrome. Identifiers: Orphanet 2788, MedGen C0432252, MONDO:0009820, OMIM 259770.
Worth disease. Also called: ENDOSTEAL HYPEROSTOSIS, AUTOSOMAL DOMINANT; Autosomal dominant osteosclerosis, Worth type; OSTEOSCLEROSIS, AUTOSOMAL DOMINANT. Identifiers: Orphanet 2790, MedGen C0432273, MONDO:0007764, OMIM 144750.
Exudative vitreoretinopathy 4 (EVR4). Identifiers: Orphanet 891, MedGen C1866176, MONDO:0011151, OMIM 601813.
Bone mineral density quantitative trait locus 1 (BMND1). Identifiers: MedGen C1866079, OMIM 601884.
LRP5-related disorder. Also called: LRP5-related condition.

Allele frequency attached by ClinVar (database versions not stated): gnomAD exomes 0.00001 and 0.00003; gnomAD 0.00002 and 0.00003; ExAC 0.00003; TOPMed 0.00005; ESP Exome Variant Server 0.00015.
gnomAD v4.1: 48 of 1,613,646 alleles (0.003%); highest among the groups gnomAD compares: East Asian, 0.013%; no homozygotes.

Submissions (4):

PreventionGenetics, part of Exact Sciences
Classification: Uncertain significance for LRP5-related condition. Last evaluated: 2026-03-21. Review status: criteria provided, single submitter. Criteria: ACMG Guidelines, 2015. Collection method: clinical testing. Allele origin: germline.
Comment: The LRP5 c.1220C>T variant is predicted to result in the amino acid substitution p.Ala407Val. To our knowledge, this variant has not been reported in the literature. This variant is reported in 0.011% of alleles in individuals of East Asian descent in gnomAD. At this time, the clinical significance of this variant is uncertain due to the absence of conclusive functional and genetic evidence.

Labcorp Genetics (formerly Invitae), Labcorp
Classification: Uncertain significance. Last evaluated: 2025-04-28. Review status: criteria provided, single submitter. Criteria: Invitae Variant Classification Sherloc (09022015). Collection method: clinical testing. Allele origin: germline.
Comment: This sequence change replaces alanine, which is neutral and non-polar, with valine, which is neutral and non-polar, at codon 407 of the LRP5 protein (p.Ala407Val). This variant is present in population databases (rs369125661, gnomAD 0.01%). This variant has not been reported in the literature in individuals affected with LRP5-related conditions. ClinVar contains an entry for this variant (Variation ID: 1051480). Invitae Evidence Modeling of protein sequence and biophysical properties (such as structural, functional, and spatial information, amino acid conservation, physicochemical variation, residue mobility, and thermodynamic stability) indicates that this missense variant is not expected to disrupt LRP5 protein function with a negative predictive value of 95%. In summary, the available evidence is currently insufficient to determine the role of this variant in disease. Therefore, it has been classified as a Variant of Uncertain Significance.

Fulgent Genetics
Classification: Uncertain significance for Worth disease; Osteoporosis with pseudoglioma; Exudative vitreoretinopathy 4; Bone mineral density quantitative trait locus 1; Autosomal dominant osteopetrosis 1; Polycystic liver disease 4 with or without kidney cysts. Last evaluated: 2024-06-18. Review status: criteria provided, single submitter. Criteria: ACMG Guidelines, 2015. Collection method: clinical testing. Allele origin: germline.

GeneDx
Classification: Uncertain significance. Last evaluated: 2020-01-18. Review status: criteria provided, single submitter. Criteria: GeneDx Variant Classification Process June 2021. Collection method: clinical testing. Allele origin: germline. Affected: yes.
Comment: In silico analysis, which includes protein predictors and evolutionary conservation, supports that this variant does not alter protein structure/function; Has not been previously published as pathogenic or benign to our knowledge